The following is an entry in ClinVar:

ClinVar aggregate classification (germline): Pathogenic. Review status: criteria provided, multiple submitters, no conflicts (2 of 4 stars). 2 submissions from 2 submitters: Pathogenic (2). Last evaluated 2026-05-19.

Conditions:
PAX6-related disorder. Also called: PAX6-related disorders; PAX6-related condition.

Submissions (2):

Greenwood Genetic Center Diagnostic Laboratories, Greenwood Genetic Center
Classification: Pathogenic for PAX6-related disorder. Last evaluated: 2026-05-19. Review status: criteria provided, single submitter. Criteria: ACMG Guidelines, 2015. Collection method: clinical testing. Allele origin: germline. Affected: yes.
Comment: PVS1, PS4_Supporting, PM2

Blueprint Genetics
Classification: Pathogenic for PAX6-related disorders. Last evaluated: 2023-07-28. Review status: criteria provided, single submitter. Criteria: ACMG Guidelines, 2015. Collection method: clinical testing. Allele origin: germline. Affected: yes. Observed: 1 variant allele.

NM_001368894.2(PAX6):c.643C>T (p.Gln215Ter)

Gene: PAX6 (paired box 6; minus strand). Cytogenetic location: 11p13.
Variant type: single nucleotide variant.
Coding change: c.643C>T on transcript NM_001368894.2 (MANE Select); coding-DNA position 643, C replaced by T.
Protein change: p.Gln215Ter; replaces glutamine 215 with a stop codon.
Molecular consequence: nonsense. On other transcripts: 5 prime UTR variant (1), non-coding transcript variant (2).
Genome position (GRCh38, 1-based): chr11:31,794,711, G>A on the plus strand (C>T on the coding strand, the complement: PAX6 is on the minus strand). VCF-style: chr11-31794711-G-A. GRCh37 (hg19) VCF-style: chr11-31816259-G-A.
Other names: c.601C>T, p.Gln201Ter (NM_000280.6, NM_001127612.3, NM_001258464.2 and 10 more transcripts); c.643C>T, p.Gln215Ter (NM_001258462.3, NM_001258463.2, NM_001310158.2 and 6 more transcripts); c.193C>T, p.Gln65Ter (NM_001310160.2, NM_001310161.3, NM_001368899.2 and 11 more transcripts); c.844C>T, p.Gln282Ter (NM_001368910.2); c.646C>T, p.Gln216Ter (NM_001368911.2); c.718C>T, p.Gln240Ter (NM_001368918.2, NM_001368919.2); c.676C>T, p.Gln226Ter (NM_001368920.2); c.442C>T, p.Gln148Ter (NM_001368921.2, NM_001368922.2, NM_001368923.2 and 4 more transcripts); and 2 more; short protein forms Q134*, Q148*, Q201*, Q215*, Q216*, Q226*, Q240*, Q282*.
Identifiers: ClinVar variation 4891087 (VCV004891087.1).